The following is an entry in ClinVar:

ClinVar aggregate classification (germline): Uncertain significance. Review status: criteria provided, multiple submitters, no conflicts (2 of 4 stars). 2 submissions from 2 submitters: Uncertain significance (2). Last evaluated 2025-08-28.

Conditions:
Glycogen storage disease IXb (GSD9B). Also called: GLYCOGENOSIS OF LIVER AND MUSCLE, AUTOSOMAL RECESSIVE; GSD IXb; PHOSPHORYLASE KINASE DEFICIENCY OF LIVER AND MUSCLE, AUTOSOMAL RECESSIVE. Identifiers: Orphanet 79240, MedGen C0543514, MONDO:0009868, OMIM 261750.
Inborn genetic diseases. Identifiers: MedGen C0950123, MeSH D030342.

gnomAD v4.1: 13 of 1,613,950 alleles (0.00081%); highest among the groups gnomAD compares: Middle Eastern, 0.016%; no homozygotes.

Submissions (2):

Ambry Genetics
Classification: Uncertain significance for Inborn genetic diseases. Last evaluated: 2025-08-28. Review status: criteria provided, single submitter. Criteria: Ambry Variant Classification Scheme 2023. Collection method: clinical testing. Allele origin: germline.

Labcorp Genetics (formerly Invitae), Labcorp
Classification: Uncertain significance for Glycogen storage disease IXb. Last evaluated: 2024-10-24. Review status: criteria provided, single submitter. Criteria: Invitae Variant Classification Sherloc (09022015). Collection method: clinical testing. Allele origin: germline.
Comment: This sequence change replaces methionine, which is neutral and non-polar, with valine, which is neutral and non-polar, at codon 883 of the PHKB protein (p.Met883Val). This variant is present in population databases (no rsID available, gnomAD 0.006%). This variant has not been reported in the literature in individuals affected with PHKB-related conditions. An algorithm developed to predict the effect of missense changes on protein structure and function (PolyPhen-2) suggests that this variant is likely to be tolerated. In summary, the available evidence is currently insufficient to determine the role of this variant in disease. Therefore, it has been classified as a Variant of Uncertain Significance.

NM_000293.3(PHKB):c.2647A>G (p.Met883Val)

Gene: PHKB (phosphorylase kinase regulatory subunit beta; plus strand). Cytogenetic location: 16q12.1.
Variant type: single nucleotide variant.
Coding change: c.2647A>G on transcript NM_000293.3 (MANE Select); coding-DNA position 2647, A replaced by G.
Protein change: p.Met883Val; replaces methionine 883 with valine.
Molecular consequence: missense variant.
Genome position (GRCh38, 1-based): chr16:47,689,057, A>G. VCF-style: chr16-47689057-A-G. GRCh37 (hg19) VCF-style: chr16-47722968-A-G.
Other names: c.2647A>G (NM_000293.2); c.2626A>G, p.Met876Val (NM_001031835.3); c.2647A>G, p.Met883Val (NM_001363837.1); short protein forms M876V, M883V.
Identifiers: ClinVar variation 3697301 (VCV003697301.3).